The following is an entry in ClinVar:

ClinVar aggregate classification (germline): Uncertain significance. Review status: criteria provided, multiple submitters, no conflicts (2 of 4 stars). 2 submissions from 2 submitters: Uncertain significance (2). Last evaluated 2025-12-06.

Conditions:
Child syndrome. Also called: CHILD (Congenital Hemidysplasia with Ichthyosiform Nevus and Limb Defects) Syndrome. Identifiers: Orphanet 139, MedGen C0265267, MONDO:0010621, OMIM 308050.
CK syndrome. Also called: MENTAL RETARDATION, X-LINKED, WITH THIN BODY HABITUS AND CORTICAL MALFORMATION. Identifiers: Orphanet 251383, MedGen C3151781, MONDO:0010441, OMIM 300831.

Allele frequency attached by ClinVar (database versions not stated): gnomAD exomes below 0.00001.
gnomAD v4.1: 1 of 1,211,973 alleles (0.000083%); highest among the groups gnomAD compares: East Asian, 0.003%; no homozygotes.

Submissions (2):

Labcorp Genetics (formerly Invitae), Labcorp
Classification: Uncertain significance. Last evaluated: 2025-12-06. Review status: criteria provided, single submitter. Criteria: Invitae Variant Classification Sherloc (09022015). Collection method: clinical testing. Allele origin: germline.
Comment: This sequence change replaces lysine, which is basic and polar, with arginine, which is basic and polar, at codon 344 of the NSDHL protein (p.Lys344Arg). This variant is not present in population databases (gnomAD no frequency). This variant has not been reported in the literature in individuals affected with NSDHL-related conditions. ClinVar contains an entry for this variant (Variation ID: 1468939). An algorithm developed to predict the effect of missense changes on protein structure and function (PolyPhen-2) suggests that this variant is likely to be tolerated. In summary, the available evidence is currently insufficient to determine the role of this variant in disease. Therefore, it has been classified as a Variant of Uncertain Significance.

Fulgent Genetics
Classification: Uncertain significance for CK syndrome; Child syndrome. Last evaluated: 2024-02-12. Review status: criteria provided, single submitter. Criteria: ACMG Guidelines, 2015. Collection method: clinical testing. Allele origin: germline.

NM_015922.3(NSDHL):c.1031A>G (p.Lys344Arg)

Gene: NSDHL (NAD(P) dependent 3-beta-hydroxysteroid dehydrogenase NSDHL; plus strand). Cytogenetic location: Xq28.
Variant type: single nucleotide variant.
Coding change: c.1031A>G on transcript NM_015922.3 (MANE Select); coding-DNA position 1031, A replaced by G.
Protein change: p.Lys344Arg; replaces lysine 344 with arginine.
Molecular consequence: missense variant.
Genome position (GRCh38, 1-based): chrX:152,869,025, A>G. VCF-style: chrX-152869025-A-G. GRCh37 (hg19) VCF-style: chrX-152037569-A-G.
Other names: c.1031A>G, p.Lys344Arg (NM_001129765.2); short protein forms K344R.
Identifiers: ClinVar variation 1468939 (VCV001468939.10), dbSNP rs2125017628, ClinGen allele CA415287547.